The following is an entry in ClinVar:

NM_012431.3(SEMA3E):c.1221T>C (p.Ser407=)

Gene: SEMA3E (semaphorin 3E; minus strand). Cytogenetic location: 7q21.11.
Variant type: single nucleotide variant.
Coding change: c.1221T>C on transcript NM_012431.3 (MANE Select); coding-DNA position 1221, T replaced by C.
Protein change: p.Ser407=; no amino-acid change (serine 407 retained).
Molecular consequence: synonymous variant.
Genome position (GRCh38, 1-based): chr7:83,400,173, A>G on the plus strand (T>C on the coding strand, the complement: SEMA3E is on the minus strand). VCF-style: chr7-83400173-A-G. GRCh37 (hg19) VCF-style: chr7-83029489-A-G.
Other names: c.1221T>C (NM_012431.2); c.1041T>C, p.Ser347= (NM_001178129.2).
Identifiers: ClinVar variation 1134981 (VCV001134981.10), dbSNP rs1435041618, ClinGen allele CA456344603.

ClinVar aggregate classification (germline): Likely benign. Review status: criteria provided, multiple submitters, no conflicts (2 of 4 stars). 2 submissions from 2 submitters: Likely benign (2). Last evaluated 2025-05-08.

Conditions:
CHARGE syndrome (CHARGE). Also called: Hittner Hirsch Kreh syndrome; CHARGE ASSOCIATION--COLOBOMA, HEART ANOMALY, CHOANAL ATRESIA, RETARDATION, GENITAL AND EAR ANOMALIES; Coloboma, heart anomaly, choanal atresia, retardation, genital and ear anomalies; CHARGE association; Hall-Hittner syndrome. Identifiers: Orphanet 138, MedGen C0265354, MONDO:0008965.
SEMA3E-related disorder. Also called: SEMA3E-related condition.

Allele frequency attached by ClinVar (database versions not stated): TOPMed below 0.00001; gnomAD exomes 0.00001.
gnomAD v4.1: 15 of 1,613,836 alleles (0.00093%); highest among the groups gnomAD compares: East Asian, 0.0022%; no homozygotes.

Submissions (2):

PreventionGenetics, part of Exact Sciences
Classification: Likely benign for SEMA3E-related condition. Last evaluated: 2025-05-08. Review status: criteria provided, single submitter. Criteria: ACMG Guidelines, 2015. Collection method: clinical testing. Allele origin: germline.
Comment: This variant is classified as likely benign based on ACMG/AMP sequence variant interpretation guidelines (Richards et al. 2015 PMID: 25741868, with internal and published modifications).

Labcorp Genetics (formerly Invitae), Labcorp
Classification: Likely benign for CHARGE syndrome. Last evaluated: 2023-04-14. Review status: criteria provided, single submitter. Criteria: Invitae Variant Classification Sherloc (09022015). Collection method: clinical testing. Allele origin: germline.